The following is an entry in ClinVar:

NC_012920.1(MT-ND5):m.14138T>C

Gene: MT-ND5 (mitochondrially encoded NADH dehydrogenase 5; plus strand).
Variant type: single nucleotide variant.
Genome position: chrM-14138-T-C.
Identifiers: ClinVar variation 693672 (VCV000693672.1), dbSNP rs1603224549, ClinGen allele CA414821079.
Genomic context (GRCh38, chrMT:14,138, plus strand): 5'-AAGGCATAATTAAACTTTACTTCCTCTCTTTCTTCTTCCCACTCATCCTAACCCTACTCC[T>C]AATCACATAACCTATTCCCCCGAGCAATCTCAATTACAATATATACACCAACAAACAATG-3'

ClinVar aggregate classification (germline): Uncertain significance (1 of 4 stars; one submission).

Conditions:
Leigh syndrome (NULS). Also called: Leigh's necrotizing encephalopathy; Leigh's disease; Leigh's syndrome; LEIGH SYNDROME, NUCLEAR; Leigh Syndrome (mtDNA deletion); Leigh Disease. Identifiers: Orphanet 506, MedGen C2931891, MONDO:0009723, OMIM 256000.

Submission:

Wong Mito Lab, Molecular and Human Genetics, Baylor College of Medicine
Classification: Uncertain significance for Leigh syndrome. Last evaluated: 2019-10-17. Review status: criteria provided, single submitter. Criteria: Modified ACMG Guidelines (Unpublished). Collection method: clinical testing. Allele origin: germline.
Comment: The NC_012920.1:m.14138T>C (YP_003024036.1:p.Leu601Pro) variant in MTND5 gene is interpretated to be a Uncertain Significance variant based on the modified ACMG guidelines (unpublished). This variant meets the following evidence codes: no criteria